The following is an entry in ClinVar:

NM_001130823.3(DNMT1):c.636A>C (p.Glu212Asp)

Gene: DNMT1 (DNA methyltransferase 1; minus strand). Cytogenetic location: 19p13.2.
Variant type: single nucleotide variant.
Coding change: c.636A>C on transcript NM_001130823.3 (MANE Select); coding-DNA position 636, A replaced by C.
Protein change: p.Glu212Asp; replaces glutamic acid 212 with aspartic acid.
Molecular consequence: missense variant.
Genome position (GRCh38, 1-based): chr19:10,175,552, T>G on the plus strand (A>C on the coding strand, the complement: DNMT1 is on the minus strand). VCF-style: chr19-10175552-T-G. GRCh37 (hg19) VCF-style: chr19-10286228-T-G.
Other names: c.588A>C, p.Glu196Asp (NM_001318730.2, NM_001379.4); c.273A>C, p.Glu91Asp (NM_001318731.2); short protein forms E212D, E91D, E196D.
Identifiers: ClinVar variation 4995803 (VCV004995803.1).

ClinVar aggregate classification (germline): Uncertain significance (1 of 4 stars; one submission).

Conditions:
DNMT1-related disorder. Also called: DNMT1-related condition. Identifiers: MedGen CN381527.

gnomAD v4.1: 1 of 1,614,120 alleles (0.000062%); highest among the groups gnomAD compares: Non-Finnish European, 0.000085%; no homozygotes.

Submission:

PreventionGenetics, part of Exact Sciences
Classification: Uncertain significance for DNMT1-related condition. Last evaluated: 2026-06-03. Review status: criteria provided, single submitter. Criteria: ACMG Guidelines, 2015. Collection method: clinical testing. Allele origin: germline.
Comment: The DNMT1 c.636A>C variant is predicted to result in the amino acid substitution p.Glu212Asp. To our knowledge, this variant has not been reported in the literature or in a large population database (gnomAD), indicating this variant is rare. At this time, the clinical significance of this variant is uncertain due to the absence of conclusive functional and genetic evidence.